The following is an entry in ClinVar:

ClinVar aggregate classification (germline): Pathogenic (1 of 4 stars; one submission).

Conditions:
Ehlers-Danlos syndrome due to tenascin-X deficiency (EDSCLL1). Also called: EDS DUE TO TNX DEFICIENCY; TNX DEFICIENCY; Ehlers-Danlos syndrome, classic-like, 1; EHLERS-DANLOS SYNDROME, CLASSIC-LIKE; TNXB-Related Classical-Like Ehlers-Danlos Syndrome. Identifiers: Orphanet 230839, MedGen C1848029, MONDO:0011670, OMIM 606408.

Submission:

Myriad Genetics, Inc.
Classification: Pathogenic for Ehlers-Danlos syndrome due to tenascin-X deficiency. Last evaluated: 2025-12-11. Review status: criteria provided, single submitter. Criteria: Myriad Autosomal Dominant, Autosomal Recessive and X-Linked Classification Criteria (2023). Collection method: clinical testing. Allele origin: unknown.
Comment: NM_019105.6(TNXB):c.3839C>G(S1280*) is expected to be pathogenic in the context of classical-like Ehlers-Danlos syndrome, TNXB-related. This variant is predicted to lead to an abnormal or absent protein product due to the creation of a premature termination codon in TNXB, a gene where loss-of-function variants are known to be pathogenic. Please note: this variant was assessed in the context of healthy population screening.

NM_001365276.2(TNXB):c.3839C>G (p.Ser1280Ter)

Gene: TNXB (tenascin XB; minus strand). Cytogenetic location: 6p21.33.
Variant type: single nucleotide variant.
Coding change: c.3839C>G on transcript NM_001365276.2 (MANE Select); coding-DNA position 3839, C replaced by G.
Protein change: p.Ser1280Ter; replaces serine 1280 with a stop codon.
Molecular consequence: nonsense.
Genome position (GRCh38, 1-based): chr6:32,081,571, G>C on the plus strand (C>G on the coding strand, the complement: TNXB is on the minus strand). VCF-style: chr6-32081571-G-C. GRCh37 (hg19) VCF-style: chr6-32049348-G-C.
Other names: c.4580C>G, p.Ser1527Ter (NM_001428335.1); c.3839C>G, p.Ser1280Ter (NM_019105.8); short protein forms S1280*, S1527*.
Identifiers: ClinVar variation 5015302 (VCV005015302.1).